The following is an entry in ClinVar:

ClinVar aggregate classification (germline): Pathogenic (1 of 4 stars; one submission).

Allele frequency attached by ClinVar (database versions not stated): gnomAD 0.00001 and 0.00002; gnomAD exomes 0.00001; ExAC 0.00002; TOPMed 0.00002.
gnomAD v4.1: 24 of 1,612,520 alleles (0.0015%); highest among the groups gnomAD compares: African/African-American, 0.0067%; no homozygotes.

Submission:

Labcorp Genetics (formerly Invitae), Labcorp
Classification: Pathogenic. Last evaluated: 2025-01-23. Review status: criteria provided, single submitter. Criteria: Invitae Variant Classification Sherloc (09022015). Collection method: clinical testing. Allele origin: germline.
Comment: This sequence change creates a premature translational stop signal (p.Arg356*) in the TYRP1 gene. It is expected to result in an absent or disrupted protein product. Loss-of-function variants in TYRP1 are known to be pathogenic (PMID: 8651291, 9345097). This variant is present in population databases (rs758093517, gnomAD 0.01%). This premature translational stop signal has been observed in individual(s) with oculocutaneous albinism (PMID: 29345414). In at least one individual the data is consistent with being in trans (on the opposite chromosome) from a pathogenic variant. ClinVar contains an entry for this variant (Variation ID: 1456914). For these reasons, this variant has been classified as Pathogenic.

Literature cited by the submitters: PubMed 8651291; PubMed 9345097; PubMed 29345414.

NM_000550.3(TYRP1):c.1066C>T (p.Arg356Ter)

Genes: LURAP1L-AS1 (LURAP1L antisense RNA 1; minus strand), TYRP1 (tyrosinase related protein 1; plus strand). Cytogenetic location: 9p23.
Variant type: single nucleotide variant.
Coding change: c.1066C>T on transcript NM_000550.3 (MANE Select); coding-DNA position 1066, C replaced by T.
Protein change: p.Arg356Ter; replaces arginine 356 with a stop codon.
Molecular consequence: nonsense.
Genome position (GRCh38, 1-based): chr9:12,702,423, C>T. VCF-style: chr9-12702423-C-T. GRCh37 (hg19) VCF-style: chr9-12702423-C-T.
Other names: short protein forms R356*.
Identifiers: ClinVar variation 1456914 (VCV001456914.6), dbSNP rs758093517, ClinGen allele CA4985413.
Genomic context (GRCh38, chr9:12,702,423, plus strand): 5'-TGCTTGGAAGTTGGTTTATTTGACACGCCTCCTTTTTATTCCAACTCTACAAACAGTTTC[C>T]GAAACACAGTGGAAGGCAAGTAAATGAAATCAGTATTTTTAAAAGATCTAGTTATCAGAG-3'